The following is an entry in ClinVar:

NM_024741.3(ZNF408):c.831C>A (p.Ser277Arg)

Gene: ZNF408 (zinc finger protein 408; plus strand). Cytogenetic location: 11p11.2.
Variant type: single nucleotide variant.
Coding change: c.831C>A on transcript NM_024741.3 (MANE Select); coding-DNA position 831, C replaced by A.
Protein change: p.Ser277Arg; replaces serine 277 with arginine.
Molecular consequence: missense variant.
Genome position (GRCh38, 1-based): chr11:46,704,531, C>A. VCF-style: chr11-46704531-C-A. GRCh37 (hg19) VCF-style: chr11-46726081-C-A.
Other names: c.807C>A, p.Ser269Arg (NM_001184751.2); c.831C>A (NM_024741.2); short protein forms S269R, S277R.
Identifiers: ClinVar variation 2789207 (VCV002789207.4), dbSNP rs552520818, ClinGen allele CA5966438.

ClinVar aggregate classification (germline): Uncertain significance. Review status: criteria provided, multiple submitters, no conflicts (2 of 4 stars). 2 submissions from 2 submitters: Uncertain significance (2). Last evaluated 2025-07-15.

Conditions:
Inborn genetic diseases. Identifiers: MedGen C0950123, MeSH D030342.

Allele frequency attached by ClinVar (database versions not stated): gnomAD exomes below 0.00001; ExAC 0.00001; gnomAD 0.00001; TOPMed 0.00001; 1000 Genomes Project 30x 0.00016; 1000 Genomes Project 0.00020.
gnomAD v4.1: 4 of 1,613,840 alleles (0.00025%); highest among the groups gnomAD compares: African/African-American, 0.004%; no homozygotes.

Submissions (2):

Ambry Genetics
Classification: Uncertain significance for Inborn genetic diseases. Last evaluated: 2025-07-15. Review status: criteria provided, single submitter. Criteria: Ambry Variant Classification Scheme 2023. Collection method: clinical testing. Allele origin: germline.

Labcorp Genetics (formerly Invitae), Labcorp
Classification: Uncertain significance. Last evaluated: 2023-06-20. Review status: criteria provided, single submitter. Criteria: Invitae Variant Classification Sherloc (09022015). Collection method: clinical testing. Allele origin: germline.
Comment: This sequence change replaces serine, which is neutral and polar, with arginine, which is basic and polar, at codon 277 of the ZNF408 protein (p.Ser277Arg). This variant is present in population databases (rs552520818, gnomAD 0.007%). This variant has not been reported in the literature in individuals affected with ZNF408-related conditions. An algorithm developed to predict the effect of missense changes on protein structure and function (PolyPhen-2) suggests that this variant is likely to be tolerated. In summary, the available evidence is currently insufficient to determine the role of this variant in disease. Therefore, it has been classified as a Variant of Uncertain Significance.